The following is an entry in ClinVar:

ClinVar aggregate classification (germline): Pathogenic (1 of 4 stars; one submission).

Submission:

ISCA site 4
Classification: Pathogenic. Last evaluated: 2011-08-12. Review status: criteria provided, single submitter. Criteria: Kaminsky et al. (Genet Med. 2011). Collection method: clinical testing. Allele origin: maternal, unknown. Affected: yes. Observed: 2 variant alleles.
Comment: Copy number variation identified through the course of routine clinical cytogenomic testing in postnatal populations. Clinical assertions have been curated as described in Kaminsky et al. 2011.

GRCh38/hg38 1q21.1(chr1:145635445-146009630)x1

Genes: MIR6736 (microRNA 6736; minus strand), NUDT17 (nudix hydrolase 17; plus strand), PDZK1 (PDZ domain containing 1; minus strand), PEX11B (peroxisomal biogenesis factor 11 beta; minus strand), PIAS3 (protein inhibitor of activated STAT 3; minus strand) and 39 more. Cytogenetic location: 1q21.1.
Variant type: copy number loss.
Change: copy number 1 (one copy instead of two) of chr1:145,635,445-146,009,630 (374.2 kb, GRCh38 coordinates, 1-based), cytogenetic band 1q21.1.
Identifiers: ClinVar variation 160833 (VCV000160833.1).